The following is an entry in ClinVar:

NM_003924.4(PHOX2B):c.341A>C (p.Glu114Ala)

Gene: PHOX2B (paired like homeobox 2B; minus strand). Cytogenetic location: 4p13.
Variant type: single nucleotide variant.
Coding change: c.341A>C on transcript NM_003924.4 (MANE Select); coding-DNA position 341, A replaced by C.
Protein change: p.Glu114Ala; replaces glutamic acid 114 with alanine.
Molecular consequence: missense variant.
Genome position (GRCh38, 1-based): chr4:41,747,437, T>G on the plus strand (A>C on the coding strand, the complement: PHOX2B is on the minus strand). VCF-style: chr4-41747437-T-G. GRCh37 (hg19) VCF-style: chr4-41749454-T-G.
Other names: short protein forms E114A.
Identifiers: ClinVar variation 938703 (VCV000938703.13), dbSNP rs1733945578, ClinGen allele CA356740218.

ClinVar aggregate classification (germline): Uncertain significance. Review status: criteria provided, multiple submitters, no conflicts (2 of 4 stars). 2 submissions from 2 submitters: Uncertain significance (2). Last evaluated 2024-12-19.

Conditions:
Hereditary cancer-predisposing syndrome. Also called: Tumor predisposition; Hereditary neoplastic syndrome; Hereditary Cancer Syndrome; Neoplastic Syndromes, Hereditary. Identifiers: Orphanet 140162, MedGen C0027672, MeSH D009386, MONDO:0015356.
Haddad syndrome (OHD). Also called: Ondine-Hirschsprung disease. Identifiers: Orphanet 99803, MedGen C1859049, MONDO:0020493.

Submissions (2):

Ambry Genetics
Classification: Uncertain significance for Hereditary cancer-predisposing syndrome. Last evaluated: 2024-12-19. Review status: criteria provided, single submitter. Criteria: Ambry Variant Classification Scheme 2023. Collection method: clinical testing. Allele origin: germline.
Comment: The p.E114A variant (also known as c.341A>C), located in coding exon 2 of the PHOX2B gene, results from an A to C substitution at nucleotide position 341. The glutamic acid at codon 114 is replaced by alanine, an amino acid with dissimilar properties. This amino acid position is conserved. In addition, this alteration is predicted to be deleterious by in silico analysis. Since supporting evidence is limited at this time, the clinical significance of this alteration remains unclear.

Labcorp Genetics (formerly Invitae), Labcorp
Classification: Uncertain significance for Haddad syndrome. Last evaluated: 2024-12-11. Review status: criteria provided, single submitter. Criteria: Invitae Variant Classification Sherloc (09022015). Collection method: clinical testing. Allele origin: germline.
Comment: This sequence change replaces glutamic acid, which is acidic and polar, with alanine, which is neutral and non-polar, at codon 114 of the PHOX2B protein (p.Glu114Ala). This variant is not present in population databases (gnomAD no frequency). This variant has not been reported in the literature in individuals affected with PHOX2B-related conditions. ClinVar contains an entry for this variant (Variation ID: 938703). Invitae Evidence Modeling of protein sequence and biophysical properties (such as structural, functional, and spatial information, amino acid conservation, physicochemical variation, residue mobility, and thermodynamic stability) indicates that this missense variant is expected to disrupt PHOX2B protein function with a positive predictive value of 80%. In summary, the available evidence is currently insufficient to determine the role of this variant in disease. Therefore, it has been classified as a Variant of Uncertain Significance.